The following is an entry in ClinVar:

NM_020376.4(PNPLA2):c.1271G>T (p.Arg424Leu)

Gene: PNPLA2 (patatin like domain 2, triacylglycerol lipase; plus strand). Cytogenetic location: 11p15.5.
Variant type: single nucleotide variant.
Coding change: c.1271G>T on transcript NM_020376.4 (MANE Select); coding-DNA position 1271, G replaced by T.
Protein change: p.Arg424Leu; replaces arginine 424 with leucine.
Molecular consequence: missense variant.
Genome position (GRCh38, 1-based): chr11:824,618, G>T. VCF-style: chr11-824618-G-T. GRCh37 (hg19) VCF-style: chr11-824618-G-T.
Other names: short protein forms R424L.
Identifiers: ClinVar variation 4996424 (VCV004996424.1).

ClinVar aggregate classification (germline): Uncertain significance (1 of 4 stars; one submission).

Conditions:
PNPLA2-related disorder. Also called: PNPLA2-related condition.

Submission:

PreventionGenetics, part of Exact Sciences
Classification: Uncertain significance for PNPLA2-related condition. Last evaluated: 2025-08-19. Review status: criteria provided, single submitter. Criteria: ACMG Guidelines, 2015. Collection method: clinical testing. Allele origin: germline.
Comment: The PNPLA2 c.1271G>T variant is predicted to result in the amino acid substitution p.Arg424Leu. To our knowledge, this variant has not been reported in the literature or in a large population database (gnomAD), indicating this variant is rare. At this time, the clinical significance of this variant is uncertain due to the absence of conclusive functional and genetic evidence.